The following is an entry in ClinVar:

ClinVar aggregate classification (germline): Pathogenic/Likely pathogenic. Review status: criteria provided, multiple submitters, no conflicts (2 of 4 stars). 4 submissions from 4 submitters: Pathogenic (1); Likely pathogenic (3). Last evaluated 2026-03-21.

Conditions:
Polycystic kidney disease 4 (PKD4). Also called: POLYCYSTIC KIDNEY AND HEPATIC DISEASE 1; POLYCYSTIC KIDNEY DISEASE, INFANTILE, TYPE I; POLYCYSTIC KIDNEY DISEASE 4 WITH OR WITHOUT POLYCYSTIC LIVER DISEASE; Autosomal Recessive Polycystic Kidney Disease – PKHD1; PKD3. Identifiers: MedGen C4540575, MONDO:0033004, OMIM 263200.
Autosomal recessive polycystic kidney disease (ARPKD). Also called: AR polycystic kidney disease. Identifiers: Orphanet 731, Orphanet 8378, MedGen C0085548, MeSH D017044, MONDO:0009889.

Allele frequency attached by ClinVar (database versions not stated): gnomAD exomes below 0.00001 and 0.00001; TOPMed below 0.00001; gnomAD 0.00001; ExAC 0.00002; ESP Exome Variant Server 0.00008.
gnomAD v4.1: 7 of 1,613,910 alleles (0.00043%); highest among the groups gnomAD compares: South Asian, 0.0011%; no homozygotes.

Submissions (4):

GeneDx
Classification: Likely pathogenic. Last evaluated: 2026-03-21. Review status: criteria provided, single submitter. Criteria: GeneDx Variant Classification Process June 2021. Collection method: clinical testing. Allele origin: germline.
Comment: Nonsense variant predicted to result in protein truncation or nonsense mediated decay in a gene for which loss of function is a known mechanism of disease; Not observed at significant frequency in large population cohorts (gnomAD); Has not been previously published as pathogenic or benign to our knowledge

Natera, Inc.
Classification: Likely pathogenic for Autosomal recessive polycystic kidney disease. Last evaluated: 2025-01-07. Review status: criteria provided, single submitter. Criteria: Natera Variant Classification Schema (03/2026). Collection method: clinical testing. Allele origin: germline.
Comment: The c.2344C>T variant in PKHD1 is a nonsense variant predicted to introduce a stop codon at amino acid 782. This variant is expected to result in nonsense mediated decay, truncation, or a dysfunctional protein product. This variant is rare in the general population with a frequency below the threshold expected for the associated phenotype(s). Given the available evidence, this variant is classified as Likely Pathogenic.

Labcorp Genetics (formerly Invitae), Labcorp
Classification: Pathogenic for Autosomal recessive polycystic kidney disease. Last evaluated: 2024-01-17. Review status: criteria provided, single submitter. Criteria: Invitae Variant Classification Sherloc (09022015). Collection method: clinical testing. Allele origin: germline.
Comment: This sequence change creates a premature translational stop signal (p.Gln782*) in the PKHD1 gene. It is expected to result in an absent or disrupted protein product. Loss-of-function variants in PKHD1 are known to be pathogenic (PMID: 19940839). This variant is present in population databases (rs371928571, gnomAD 0.002%). This variant has not been reported in the literature in individuals affected with PKHD1-related conditions. ClinVar contains an entry for this variant (Variation ID: 1433520). Algorithms developed to predict the effect of sequence changes on RNA splicing suggest that this variant may disrupt the consensus splice site. For these reasons, this variant has been classified as Pathogenic.

Fulgent Genetics
Classification: Likely pathogenic for Polycystic kidney disease 4. Last evaluated: 2023-12-28. Review status: criteria provided, single submitter. Criteria: ACMG Guidelines, 2015. Collection method: clinical testing. Allele origin: germline.

Literature cited by the submitters: PubMed 19940839 (cited by Labcorp Genetics (formerly Invitae), Labcorp).

NM_138694.4(PKHD1):c.2344C>T (p.Gln782Ter)

Gene: PKHD1 (PKHD1 ciliary IPT domain containing fibrocystin/polyductin; minus strand). Cytogenetic location: 6p12.2.
Variant type: single nucleotide variant.
Coding change: c.2344C>T on transcript NM_138694.4 (MANE Select); coding-DNA position 2344, C replaced by T.
Protein change: p.Gln782Ter; replaces glutamine 782 with a stop codon.
Molecular consequence: nonsense.
Genome position (GRCh38, 1-based): chr6:52,048,555, G>A on the plus strand (C>T on the coding strand, the complement: PKHD1 is on the minus strand). VCF-style: chr6-52048555-G-A. GRCh37 (hg19) VCF-style: chr6-51913353-G-A.
Other names: c.2344C>T (NM_138694.3); c.2344C>T, p.Gln782Ter (NM_170724.3); short protein forms Q782*.
Identifiers: ClinVar variation 1433520 (VCV001433520.12), dbSNP rs371928571, ClinGen allele CA3853247.